The following is an entry in ClinVar:

ClinVar aggregate classification (germline): Uncertain significance (1 of 4 stars; one submission).

Conditions:
Chédiak-Higashi syndrome (CHS). Also called: Chediak-Higashi Syndrome. Identifiers: Orphanet 167, MedGen C0007965, MONDO:0008963, OMIM 214500.

Allele frequency attached by ClinVar (database versions not stated): gnomAD exomes below 0.00001; TOPMed below 0.00001.
gnomAD v4.1: 3 of 1,613,964 alleles (0.00019%); highest among the groups gnomAD compares: Non-Finnish European, 0.00025%; no homozygotes.

Submission:

Labcorp Genetics (formerly Invitae), Labcorp
Classification: Uncertain significance for Chédiak-Higashi syndrome. Last evaluated: 2022-07-03. Review status: criteria provided, single submitter. Criteria: Invitae Variant Classification Sherloc (09022015). Collection method: clinical testing. Allele origin: germline.
Comment: This sequence change replaces glutamine, which is neutral and polar, with arginine, which is basic and polar, at codon 978 of the LYST protein (p.Gln978Arg). This variant is present in population databases (no rsID available, gnomAD 0.0009%). This variant has not been reported in the literature in individuals affected with LYST-related conditions. Algorithms developed to predict the effect of missense changes on protein structure and function output the following: SIFT: "Tolerated"; PolyPhen-2: "Benign"; Align-GVGD: "Class C0". The arginine amino acid residue is found in multiple mammalian species, which suggests that this missense change does not adversely affect protein function. In summary, the available evidence is currently insufficient to determine the role of this variant in disease. Therefore, it has been classified as a Variant of Uncertain Significance.

NM_000081.4(LYST):c.2933A>G (p.Gln978Arg)

Gene: LYST (lysosomal trafficking regulator; minus strand). Cytogenetic location: 1q42.3.
Variant type: single nucleotide variant.
Coding change: c.2933A>G on transcript NM_000081.4 (MANE Select); coding-DNA position 2933, A replaced by G.
Protein change: p.Gln978Arg; replaces glutamine 978 with arginine.
Molecular consequence: missense variant.
Genome position (GRCh38, 1-based): chr1:235,806,203, T>C on the plus strand (A>G on the coding strand, the complement: LYST is on the minus strand). VCF-style: chr1-235806203-T-C. GRCh37 (hg19) VCF-style: chr1-235969503-T-C.
Other names: c.2933A>G, p.Gln978Arg (NM_001301365.1); short protein forms Q978R.
Identifiers: ClinVar variation 1943296 (VCV001943296.2), dbSNP rs1397679483, ClinGen allele CA344954584.